The following is an entry in ClinVar:

ClinVar aggregate classification (germline): Uncertain significance. Review status: criteria provided, multiple submitters, no conflicts (2 of 4 stars). 2 submissions from 2 submitters: Uncertain significance (2). Last evaluated 2025-05-08.

Conditions:
Inborn genetic diseases. Identifiers: MedGen C0950123, MeSH D030342.

Allele frequency attached by ClinVar (database versions not stated): ExAC 0.00002; gnomAD exomes 0.00002; TOPMed 0.00002; gnomAD 0.00004.
gnomAD v4.1: 56 of 1,614,030 alleles (0.0035%); highest among the groups gnomAD compares: Non-Finnish European, 0.0041%; no homozygotes.

Submissions (2):

Labcorp Genetics (formerly Invitae), Labcorp
Classification: Uncertain significance. Last evaluated: 2025-05-08. Review status: criteria provided, single submitter. Criteria: Invitae Variant Classification Sherloc (09022015). Collection method: clinical testing. Allele origin: germline.
Comment: This sequence change replaces valine, which is neutral and non-polar, with methionine, which is neutral and non-polar, at codon 1378 of the ABCA4 protein (p.Val1378Met). This variant is present in population databases (rs777063656, gnomAD 0.01%). This variant has not been reported in the literature in individuals affected with ABCA4-related conditions. ClinVar contains an entry for this variant (Variation ID: 1016200). Invitae Evidence Modeling of protein sequence and biophysical properties (such as structural, functional, and spatial information, amino acid conservation, physicochemical variation, residue mobility, and thermodynamic stability) indicates that this missense variant is expected to disrupt ABCA4 protein function with a positive predictive value of 95%. In summary, the available evidence is currently insufficient to determine the role of this variant in disease. Therefore, it has been classified as a Variant of Uncertain Significance.

Ambry Genetics
Classification: Uncertain significance for Inborn genetic diseases. Last evaluated: 2022-04-07. Review status: criteria provided, single submitter. Criteria: Ambry Variant Classification Scheme 2023. Collection method: clinical testing. Allele origin: germline.

NM_000350.3(ABCA4):c.4132G>A (p.Val1378Met)

Gene: ABCA4 (ATP binding cassette subfamily A member 4; minus strand). Cytogenetic location: 1p22.1.
Variant type: single nucleotide variant.
Coding change: c.4132G>A on transcript NM_000350.3 (MANE Select); coding-DNA position 4132, G replaced by A.
Protein change: p.Val1378Met; replaces valine 1378 with methionine.
Molecular consequence: missense variant.
Genome position (GRCh38, 1-based): chr1:94,031,117, C>T on the plus strand (G>A on the coding strand, the complement: ABCA4 is on the minus strand). VCF-style: chr1-94031117-C-T. GRCh37 (hg19) VCF-style: chr1-94496673-C-T.
Other names: c.3910G>A, p.Val1304Met (NM_001425324.1); short protein forms V1378M, V1304M.
Identifiers: ClinVar variation 1016200 (VCV001016200.7), dbSNP rs777063656, ClinGen allele CA957702.